The following is an entry in ClinVar:

NM_000492.4(CFTR):c.574G>C (p.Asp192His)

Gene: CFTR (CF transmembrane conductance regulator; plus strand). Cytogenetic location: 7q31.2.
Variant type: single nucleotide variant.
Coding change: c.574G>C on transcript NM_000492.4 (MANE Select); coding-DNA position 574, G replaced by C.
Protein change: p.Asp192His; replaces aspartic acid 192 with histidine.
Molecular consequence: missense variant.
Genome position (GRCh38, 1-based): chr7:117,534,360, G>C. VCF-style: chr7-117534360-G-C. GRCh37 (hg19) VCF-style: chr7-117174414-G-C.
Other names: short protein forms D192H.
Identifiers: ClinVar variation 2096430 (VCV002096430.4), dbSNP rs397508756, ClinGen allele CA368976602.

ClinVar aggregate classification (germline): Uncertain significance (1 of 4 stars; one submission).

Conditions:
Cystic fibrosis (CF). Also called: MUCOVISCIDOSIS. Identifiers: Orphanet 586, MedGen C0010674, MONDO:0009061, OMIM 219700. Disease mechanism: loss of function.

Submission:

Labcorp Genetics (formerly Invitae), Labcorp
Classification: Uncertain significance for Cystic fibrosis. Last evaluated: 2024-03-11. Review status: criteria provided, single submitter. Criteria: Invitae Variant Classification Sherloc (09022015). Collection method: clinical testing. Allele origin: germline.
Comment: This sequence change replaces aspartic acid, which is acidic and polar, with histidine, which is basic and polar, at codon 192 of the CFTR protein (p.Asp192His). This variant is not present in population databases (gnomAD no frequency). This missense change has been observed in individual(s) with clinical features of cystic fibrosis (Invitae). ClinVar contains an entry for this variant (Variation ID: 2096430). Advanced modeling of protein sequence and biophysical properties (such as structural, functional, and spatial information, amino acid conservation, physicochemical variation, residue mobility, and thermodynamic stability) performed at Invitae indicates that this missense variant is expected to disrupt CFTR protein function with a positive predictive value of 80%. This variant disrupts the p.Asp192 amino acid residue in CFTR. Other variant(s) that disrupt this residue have been determined to be pathogenic (PMID: 7516305, 9305991, 17662673, 28546993). This suggests that this residue is clinically significant, and that variants that disrupt this residue are likely to be disease-causing. In summary, the available evidence is currently insufficient to determine the role of this variant in disease. Therefore, it has been classified as a Variant of Uncertain Significance.

Literature cited by the submitters: PubMed 7516305; PubMed 9305991; PubMed 17662673; PubMed 28546993.